The following is an entry in ClinVar:

ClinVar aggregate classification (germline): Uncertain significance (1 of 4 stars; one submission).

Conditions:
Congenital myasthenic syndrome 8. Also called: MYASTHENIC SYNDROME, CONGENITAL, DUE TO AGRIN DEFICIENCY; Myasthenic syndrome, congenital, 8, with pre- and postsynaptic defects. Identifiers: Orphanet 590, MedGen C3808739, MONDO:0014052, OMIM 615120.

gnomAD v4.1: 38 of 1,611,626 alleles (0.0024%); highest among the groups gnomAD compares: Non-Finnish European, 0.0032%; no homozygotes.

Submission:

Labcorp Genetics (formerly Invitae), Labcorp
Classification: Uncertain significance for Congenital myasthenic syndrome 8. Last evaluated: 2022-11-08. Review status: criteria provided, single submitter. Criteria: Invitae Variant Classification Sherloc (09022015). Collection method: clinical testing. Allele origin: germline.
Comment: This sequence change replaces arginine, which is basic and polar, with glycine, which is neutral and non-polar, at codon 884 of the AGRN protein (p.Arg884Gly). This variant is present in population databases (no rsID available, gnomAD 0.007%). This variant has not been reported in the literature in individuals affected with AGRN-related conditions. Algorithms developed to predict the effect of missense changes on protein structure and function are either unavailable or do not agree on the potential impact of this missense change (SIFT: "Tolerated"; PolyPhen-2: "Possibly Damaging"; Align-GVGD: "Class C0"). In summary, the available evidence is currently insufficient to determine the role of this variant in disease. Therefore, it has been classified as a Variant of Uncertain Significance.

NM_198576.4(AGRN):c.2650C>G (p.Arg884Gly)

Gene: AGRN (agrin; plus strand). Cytogenetic location: 1p36.33.
Variant type: single nucleotide variant.
Coding change: c.2650C>G on transcript NM_198576.4 (MANE Select); coding-DNA position 2650, C replaced by G.
Protein change: p.Arg884Gly; replaces arginine 884 with glycine.
Molecular consequence: missense variant.
Genome position (GRCh38, 1-based): chr1:1,045,846, C>G. VCF-style: chr1-1045846-C-G. GRCh37 (hg19) VCF-style: chr1-981226-C-G.
Other names: c.2650C>G, p.Arg884Gly (NM_001305275.2); c.2335C>G, p.Arg779Gly (NM_001364727.2); short protein forms R884G, R779G.
Identifiers: ClinVar variation 2201580 (VCV002201580.3), dbSNP rs539990009, ClinGen allele CA16757253.